The following is an entry in ClinVar:

NM_020975.6(RET):c.133_135delinsACG (p.Ala45Thr)

Gene: RET (ret proto-oncogene; plus strand). Cytogenetic location: 10q11.21.
Variant type: Indel.
Coding change: c.133_135delinsACG on transcript NM_020975.6 (MANE Select); coding-DNA positions 133 to 135, GCA replaced by ACG.
Protein change: p.Ala45Thr; replaces alanine 45 with threonine.
Molecular consequence: missense variant. On other transcripts: intron variant (4).
Genome position (GRCh38, 1-based): chr10:43,100,518-43,100,520, GCA replaced by ACG. VCF-style: chr10-43100518-GCA-ACG. GRCh37 (hg19) VCF-style: chr10-43595966-GCA-ACG.
Other names: c.133_135delinsACG, p.Ala45Thr (NM_001406779.1, NM_001406780.1, NM_001406781.1 and 32 more transcripts); c.74-11581_74-11579delinsACG (NM_001406793.1, NM_001406794.1, NM_001406792.1); c.74-8513_74-8511delinsACG (NM_001406784.1); short protein forms A45T.
Identifiers: ClinVar variation 4756476 (VCV004756476.1).

ClinVar aggregate classification (germline): Uncertain significance (1 of 4 stars; one submission).

Conditions:
Multiple endocrine neoplasia, type 2 (MEN2). Identifiers: Orphanet 653, MedGen C4048306, MONDO:0019003. Disease mechanism: gain of function.

Submission:

Color Diagnostics, LLC DBA Color Health
Classification: Uncertain significance for Multiple endocrine neoplasia, type 2. Last evaluated: 2025-09-10. Review status: criteria provided, single submitter. Criteria: ACMG Guidelines, 2015. Collection method: clinical testing. Allele origin: germline.
Comment: This variant causes a 3-bp nucleotide substitution, resulting in a missense variant that replaces alanine with threonine at codon 45 of the RET protein. Computational predictions are inconclusive regarding the impact of this variant on protein structure and function. To our knowledge, functional studies have not been reported for this variant. This variant has not been reported in individuals affected with RET-related disorders in the literature. This variant has not been identified in the general population by the Genome Aggregation Database (gnomAD). The available evidence is insufficient to determine the role of this variant in disease conclusively. Therefore, this variant is classified as a Variant of Uncertain Significance.